The following is an entry in ClinVar:

NM_182961.4(SYNE1):c.5018G>A (p.Arg1673Gln)

Gene: SYNE1 (spectrin repeat containing nuclear envelope protein 1; minus strand). Cytogenetic location: 6q25.2.
Variant type: single nucleotide variant.
Coding change: c.5018G>A on transcript NM_182961.4 (MANE Select); coding-DNA position 5018, G replaced by A.
Protein change: p.Arg1673Gln; replaces arginine 1673 with glutamine.
Molecular consequence: missense variant.
Genome position (GRCh38, 1-based): chr6:152,427,775, C>T on the plus strand (G>A on the coding strand, the complement: SYNE1 is on the minus strand). VCF-style: chr6-152427775-C-T. GRCh37 (hg19) VCF-style: chr6-152748910-C-T.
Other names: c.5039G>A, p.Arg1680Gln (NM_033071.5); short protein forms R1673Q, R1680Q.
Identifiers: ClinVar variation 1009154 (VCV001009154.12), dbSNP rs749115727, ClinGen allele CA4058392.
Genomic context (GRCh38, chr6:152,427,775, plus strand): 5'-TCCACTTTGACTCTGTCTGCAGAAATGTCCATTTCTGGGGAACTGGCTTTAGCTTCACCC[C>T]GCTCTAACCAGGTCAAAAAGGATGATAGTTCTTTCTCTAGCCTAAAGGAAGCAGAGAGCA-3'
Protein context (NP_892006.3, residues 1663-1683): ELSSFLTWLE[Arg1673Gln]GEAKASSPEM

ClinVar aggregate classification (germline): Uncertain significance. Review status: criteria provided, multiple submitters, no conflicts (2 of 4 stars). 3 submissions from 3 submitters: Uncertain significance (3). Last evaluated 2024-01-15.

Conditions:
Autosomal recessive ataxia, Beauce type. Also called: ATAXIA, RECESSIVE, OF BEAUCE; Spinocerebellar ataxia, autosomal recessive 8; SYNE1-Related Autosomal Recessive Cerebellar Ataxia; SYNE1 Deficiency. Identifiers: Orphanet 88644, MedGen C1853116, MONDO:0012549, OMIM 610743.
Emery-Dreifuss muscular dystrophy 4, autosomal dominant (EDMD4). Also called: EMERY-DREIFUSS MUSCULAR DYSTROPHY 4 WITH VARIABLE FEATURES. Identifiers: Orphanet 261, MedGen C2751807, MONDO:0013071, OMIM 612998.

Allele frequency attached by ClinVar (database versions not stated): gnomAD 0.00002 and 0.00003; TOPMed 0.00004.
gnomAD v4.1: 43 of 1,613,970 alleles (0.0027%); highest among the groups gnomAD compares: Admixed American, 0.028%; no homozygotes.

Submissions (3):

Labcorp Genetics (formerly Invitae), Labcorp
Classification: Uncertain significance for Emery-Dreifuss muscular dystrophy 4, autosomal dominant; Autosomal recessive ataxia, Beauce type. Last evaluated: 2024-01-15. Review status: criteria provided, single submitter. Criteria: Invitae Variant Classification Sherloc (09022015). Collection method: clinical testing. Allele origin: germline.
Comment: This sequence change replaces arginine, which is basic and polar, with glutamine, which is neutral and polar, at codon 1680 of the SYNE1 protein (p.Arg1680Gln). This variant is present in population databases (rs749115727, gnomAD 0.03%). This variant has not been reported in the literature in individuals affected with SYNE1-related conditions. ClinVar contains an entry for this variant (Variation ID: 1009154). An algorithm developed to predict the effect of missense changes on protein structure and function (PolyPhen-2) suggests that this variant is likely to be disruptive. In summary, the available evidence is currently insufficient to determine the role of this variant in disease. Therefore, it has been classified as a Variant of Uncertain Significance.

Revvity Omics, Revvity
Classification: Uncertain significance. Last evaluated: 2023-12-20. Review status: criteria provided, single submitter. Criteria: ACMG Guidelines, 2015. Collection method: clinical testing. Allele origin: germline.

GeneDx
Classification: Uncertain significance. Last evaluated: 2021-05-21. Review status: criteria provided, single submitter. Criteria: GeneDx Variant Classification Process June 2021. Collection method: clinical testing. Allele origin: germline. Affected: yes.
Comment: In silico analysis supports that this missense variant does not alter protein structure/function; Has not been previously published as pathogenic or benign to our knowledge